The following is an entry in ClinVar:

ClinVar aggregate classification (germline): Uncertain significance (1 of 4 stars; one submission).

Conditions:
Chromosome 2q32-q33 deletion syndrome (GLASS). Also called: 2q33.1 deletion syndrome; Glass syndrome. Identifiers: Orphanet 251019, MedGen C2676739, MONDO:0012864, OMIM 612313.

Submission:

Labcorp Genetics (formerly Invitae), Labcorp
Classification: Uncertain significance for Chromosome 2q32-q33 deletion syndrome. Last evaluated: 2022-01-19. Review status: criteria provided, single submitter. Criteria: Invitae Variant Classification Sherloc (09022015). Collection method: clinical testing. Allele origin: germline.
Comment: In summary, the available evidence is currently insufficient to determine the role of this variant in disease. Therefore, it has been classified as a Variant of Uncertain Significance. This variant has not been reported in the literature in individuals affected with SATB2-related conditions. This variant results in a copy number gain of the genomic region encompassing exon(s) 3-6 of the SATB2 gene. This region includes the initiator codon of the gene. This copy number gain extends beyond the assayed region for this gene and therefore may encompass additional genes. As the precise location of this event is unknown, it may be in tandem or it may be located elsewhere in the genome.

NC_000002.11:g.(?_200245067)_(200320760_?)dup

Gene: SATB2 (SATB homeobox 2; minus strand). Cytogenetic location: 2q33.1.
Variant type: Duplication.
Identifiers: ClinVar variation 2426108 (VCV002426108.4).